The following is an entry in ClinVar:

ClinVar aggregate classification (germline): Uncertain significance (1 of 4 stars; one submission).

Allele frequency attached by ClinVar (database versions not stated): gnomAD 0.00001; TOPMed 0.00001; gnomAD exomes 0.00002.
gnomAD v4.1: 19 of 1,208,990 alleles (0.0016%); highest among the groups gnomAD compares: Admixed American, 0.0022%; no homozygotes.

Submission:

ARUP Laboratories, Molecular Genetics and Genomics, ARUP Laboratories
Classification: Uncertain significance. Last evaluated: 2023-02-14. Review status: criteria provided, single submitter. Criteria: ARUP Molecular Germline Variant Investigation Process 2024. Collection method: clinical testing. Allele origin: germline.
Comment: The F8 c.4163C>T; p.Pro1388Leu variant (rs975859182), to our knowledge, is not reported in the medical literature or gene specific databases. This variant is only observed on four alleles in the Genome Aggregation Database, indicating it is not a common polymorphism. Computational analyses are uncertain whether this variant is neutral or deleterious (REVEL: 0.222). Due to limited information, the clinical significance of this variant is uncertain at this time.

NM_000132.4(F8):c.4163C>T (p.Pro1388Leu)

Gene: F8 (coagulation factor VIII; minus strand). Cytogenetic location: Xq28.
Variant type: single nucleotide variant.
Coding change: c.4163C>T on transcript NM_000132.4 (MANE Select); coding-DNA position 4163, C replaced by T.
Protein change: p.Pro1388Leu; replaces proline 1388 with leucine.
Molecular consequence: missense variant.
Genome position (GRCh38, 1-based): chrX:154,929,627, G>A on the plus strand (C>T on the coding strand, the complement: F8 is on the minus strand). VCF-style: chrX-154929627-G-A. GRCh37 (hg19) VCF-style: chrX-154157902-G-A.
Other names: short protein forms P1388L.
Identifiers: ClinVar variation 2920970 (VCV002920970.1), dbSNP rs975859182, ClinGen allele CA337324498.